The following is an entry in ClinVar:

NM_001378778.1(MPDZ):c.5740G>A (p.Val1914Ile)

Gene: MPDZ (multiple PDZ domain crumbs cell polarity complex component; minus strand). Cytogenetic location: 9p23.
Variant type: single nucleotide variant.
Coding change: c.5740G>A on transcript NM_001378778.1 (MANE Select); coding-DNA position 5740, G replaced by A.
Protein change: p.Val1914Ile; replaces valine 1914 with isoleucine.
Molecular consequence: missense variant.
Genome position (GRCh38, 1-based): chr9:13,110,725, C>T on the plus strand (G>A on the coding strand, the complement: MPDZ is on the minus strand). VCF-style: chr9-13110725-C-T. GRCh37 (hg19) VCF-style: chr9-13110724-C-T.
Other names: c.5641G>A, p.Val1881Ile (NM_001261406.2, NM_001375416.1, NM_001375417.1 and 1 more transcripts); c.5554G>A, p.Val1852Ile (NM_001261407.2, NM_001375419.1); c.5740G>A, p.Val1914Ile (NM_001330637.2); c.5839G>A, p.Val1947Ile (NM_001375413.1); c.5530G>A, p.Val1844Ile (NM_001375420.1, NM_001375421.1, NM_001375422.1 and 2 more transcripts); c.5443G>A, p.Val1815Ile (NM_001375425.1, NM_001375426.1); c.5332G>A, p.Val1778Ile (NM_001375427.1); c.5653G>A, p.Val1885Ile (NM_003829.5); short protein forms V1881I, V1885I, V1815I, V1844I, V1947I, V1778I, V1852I, V1914I.
Identifiers: ClinVar variation 1378383 (VCV001378383.6), dbSNP rs2131089296, ClinGen allele CA372940672.
Genomic context (GRCh38, chr9:13,110,725, plus strand): 5'-TCAGTAGGTTAACTGCTTGGGTGTGAGTCATGCCCTCAGTGGATGTGCCACAGATGGTGA[C>T]AATCCTATCCCCAACCTGCAAGGGAGAGAAAGAAACAGCCATCTGCTAAAGCAGCCATGG-3'
Protein context (NP_001365707.1, residues 1904-1924): TQKLRVGDRI[Val1914Ile]TICGTSTEGM

ClinVar aggregate classification (germline): Uncertain significance (1 of 4 stars; one submission).

Allele frequency attached by ClinVar (database versions not stated): gnomAD exomes 0.00001.
gnomAD v4.1: 3 of 1,613,062 alleles (0.00019%); highest among the groups gnomAD compares: Middle Eastern, 0.016%; no homozygotes.

Submission:

Labcorp Genetics (formerly Invitae), Labcorp
Classification: Uncertain significance. Last evaluated: 2021-08-28. Review status: criteria provided, single submitter. Criteria: Invitae Variant Classification Sherloc (09022015). Collection method: clinical testing. Allele origin: germline.
Comment: This sequence change replaces valine with isoleucine at codon 1885 of the MPDZ protein (p.Val1885Ile). The valine residue is highly conserved and there is a small physicochemical difference between valine and isoleucine. This variant is not present in population databases (ExAC no frequency). This variant has not been reported in the literature in individuals affected with MPDZ-related conditions. Algorithms developed to predict the effect of missense changes on protein structure and function (SIFT, PolyPhen-2, Align-GVGD) all suggest that this variant is likely to be disruptive. In summary, the available evidence is currently insufficient to determine the role of this variant in disease. Therefore, it has been classified as a Variant of Uncertain Significance.